The following is an entry in ClinVar:

ClinVar aggregate classification (germline): Uncertain significance (1 of 4 stars; one submission).

gnomAD v4.1: 6 of 1,612,230 alleles (0.00037%); highest among the groups gnomAD compares: Non-Finnish European, 0.00051%; no homozygotes.

Submission:

Ambry Genetics
Classification: Uncertain significance. Last evaluated: 2021-09-16. Review status: criteria provided, single submitter. Criteria: Ambry Variant Classification Scheme 2023. Collection method: clinical testing. Allele origin: germline.
Comment: The p.C330R variant (also known as c.988T>C), located in coding exon 7 of the POLQ gene, results from a T to C substitution at nucleotide position 988. The cysteine at codon 330 is replaced by arginine, an amino acid with highly dissimilar properties. This amino acid position is conserved. In addition, this alteration is predicted to be deleterious by in silico analysis. Since supporting evidence is limited at this time, the clinical significance of this alteration remains unclear.

NM_199420.4(POLQ):c.988T>C (p.Cys330Arg)

Gene: POLQ (DNA polymerase theta; minus strand). Cytogenetic location: 3q13.33.
Variant type: single nucleotide variant.
Coding change: c.988T>C on transcript NM_199420.4 (MANE Select); coding-DNA position 988, T replaced by C.
Protein change: p.Cys330Arg; replaces cysteine 330 with arginine.
Molecular consequence: missense variant.
Genome position (GRCh38, 1-based): chr3:121,529,765, A>G on the plus strand (T>C on the coding strand, the complement: POLQ is on the minus strand). VCF-style: chr3-121529765-A-G. GRCh37 (hg19) VCF-style: chr3-121248612-A-G.
Other names: short protein forms C330R.
Identifiers: ClinVar variation 1768503 (VCV001768503.2), dbSNP rs768144840, ClinGen allele CA81860296.